The following is an entry in ClinVar:

NM_181882.3(PRX):c.2959C>G (p.Pro987Ala)

Gene: PRX (periaxin; minus strand). Cytogenetic location: 19q13.2.
Variant type: single nucleotide variant.
Coding change: c.2959C>G on transcript NM_181882.3 (MANE Select); coding-DNA position 2959, C replaced by G.
Protein change: p.Pro987Ala; replaces proline 987 with alanine.
Molecular consequence: missense variant. On other transcripts: 3 prime UTR variant (1).
Genome position (GRCh38, 1-based): chr19:40,395,393, G>C on the plus strand (C>G on the coding strand, the complement: PRX is on the minus strand). VCF-style: chr19-40395393-G-C. GRCh37 (hg19) VCF-style: chr19-40901300-G-C.
Other names: c.3244C>G, p.Pro1082Ala (NM_001411127.1); c.*3164C>G (NM_020956.2); short protein forms P987A, P1082A.
Identifiers: ClinVar variation 4744595 (VCV004744595.1).

ClinVar aggregate classification (germline): Uncertain significance (1 of 4 stars; one submission).

Conditions:
Charcot-Marie-Tooth disease type 4. Also called: Charcot-Marie-Tooth disease, type IV; Charcot-Marie-Tooth, Type 4. Identifiers: Orphanet 64749, MedGen C4082197, MONDO:0018995.

gnomAD v4.1: 11 of 1,613,844 alleles (0.00068%); highest among the groups gnomAD compares: African/African-American, 0.013%; no homozygotes.

Submission:

Labcorp Genetics (formerly Invitae), Labcorp
Classification: Uncertain significance for Charcot-Marie-Tooth disease type 4. Last evaluated: 2025-10-23. Review status: criteria provided, single submitter. Criteria: Invitae Variant Classification Sherloc (09022015). Collection method: clinical testing. Allele origin: germline.
Comment: This sequence change replaces proline, which is neutral and non-polar, with alanine, which is neutral and non-polar, at codon 987 of the PRX protein (p.Pro987Ala). This variant is present in population databases (no rsID available, gnomAD 0.008%). This variant has not been reported in the literature in individuals affected with PRX-related conditions. Invitae Evidence Modeling of protein sequence and biophysical properties (such as structural, functional, and spatial information, amino acid conservation, physicochemical variation, residue mobility, and thermodynamic stability) indicates that this missense variant is not expected to disrupt PRX protein function with a negative predictive value of 80%. In summary, the available evidence is currently insufficient to determine the role of this variant in disease. Therefore, it has been classified as a Variant of Uncertain Significance.